The following is an entry in ClinVar:

NM_001330360.2(POLA1):c.2617T>G (p.Ser873Ala)

Gene: POLA1 (DNA polymerase alpha 1, catalytic subunit; plus strand). Cytogenetic location: Xp22.11.
Variant type: single nucleotide variant.
Coding change: c.2617T>G on transcript NM_001330360.2 (MANE Select); coding-DNA position 2617, T replaced by G.
Protein change: p.Ser873Ala; replaces serine 873 with alanine.
Molecular consequence: missense variant. On other transcripts: non-coding transcript variant (2).
Genome position (GRCh38, 1-based): chrX:24,745,468, T>G. VCF-style: chrX-24745468-T-G. GRCh37 (hg19) VCF-style: chrX-24763585-T-G.
Other names: c.2542T>G, p.Ser848Ala (NM_001378303.1); c.2599T>G, p.Ser867Ala (NM_016937.4); short protein forms S867A, S873A, S848A.
Identifiers: ClinVar variation 1490573 (VCV001490573.6), dbSNP rs2148400004, ClinGen allele CA412537850.
Genomic context (GRCh38, chrX:24,745,468, plus strand): 5'-TTAATTTCAGGTTTTTATGATAAGTTCATTTTGCTTCTGGACTTCAACAGTCTATATCCT[T>G]CCATCATTCAGGAATTTAACATTTGTTTTACAACAGTACAAAGAGTTGCTTCAGAGGCAC-3'
Protein context (NP_001317289.1, residues 863-883): LLLDFNSLYP[Ser873Ala]IIQEFNICFT

ClinVar aggregate classification (germline): Uncertain significance (1 of 4 stars; one submission).

Submission:

Labcorp Genetics (formerly Invitae), Labcorp
Classification: Uncertain significance. Last evaluated: 2021-07-30. Review status: criteria provided, single submitter. Criteria: Invitae Variant Classification Sherloc (09022015). Collection method: clinical testing. Allele origin: germline.
Comment: Experimental studies have shown that this missense change affects POLA1 protein function (PMID: 8226964). Algorithms developed to predict the effect of missense changes on protein structure and function (SIFT, PolyPhen-2, Align-GVGD) all suggest that this variant is likely to be disruptive. This variant has not been reported in the literature in individuals affected with POLA1-related conditions. This variant is not present in population databases (ExAC no frequency). This sequence change replaces serine with alanine at codon 867 of the POLA1 protein (p.Ser867Ala). The serine residue is highly conserved and there is a moderate physicochemical difference between serine and alanine. In summary, the available evidence is currently insufficient to determine the role of this variant in disease. Therefore, it has been classified as a Variant of Uncertain Significance.

Literature cited by the submitters: PubMed 8226964.